The following is an entry in ClinVar:

ClinVar aggregate classification (germline): Benign (1 of 4 stars; one submission).

Submission:

CeGaT Center for Human Genetics Tuebingen
Classification: Benign. Last evaluated: 2022-10-01. Review status: criteria provided, single submitter. Criteria: CeGaT Center For Human Genetics Tuebingen Variant Classification Criteria Version 2. Collection method: clinical testing. Allele origin: germline. Affected: yes. Observed: 1 variant allele.
Comment: DENND2B: BS1, BS2

NM_213618.2(DENND2B):c.-25-25462_-25-25461insGGGTGTGTGTGTGTGT

Genes: DENND2B (DENN domain containing 2B; minus strand), DENND2B-AS1 (DENND2B antisense RNA 1; plus strand). Cytogenetic location: 11p15.4.
Variant type: Microsatellite.
Coding change: c.-25-25462_-25-25461insGGGTGTGTGTGTGTGT on transcript NM_213618.2 (MANE Select); 25462 bases into the intron before 25 bases upstream of the start codon through 25461 bases into the intron before 25 bases upstream of the start codon, GGGTGTGTGTGTGTGT inserted.
Molecular consequence: intron variant.
Genome position: GRCh38 VCF-style: chr11-8776186-A-ACACACACACACACACC. GRCh37 (hg19) VCF-style: chr11-8797733-A-ACACACACACACACACC.
Other names: c.-204-25462_-204-25461insGGGTGTGTGTGTGTGT (NM_001376500.1); c.-25-25462_-25-25461insGGGTGTGTGTGTGTGT (NM_001376498.1, NM_005418.4, NM_001376496.1 and 6 more transcripts); c.-26+18500_-26+18501insGGGTGTGTGTGTGTGT (NM_001376502.1); c.-108+34330_-108+34331insGGGTGTGTGTGTGTGT (NM_001376505.1); c.-245+34330_-245+34331insGGGTGTGTGTGTGTGT (NM_001376506.1); c.-461+34330_-461+34331insGGGTGTGTGTGTGTGT (NM_001376499.1).
Identifiers: ClinVar variation 2641586 (VCV002641586.24), dbSNP rs761084725.
Genomic context (GRCh38, chr11:8,776,186, plus strand): 5'-ACACAGACACGCACGTGCGCGCACGCGCGCGCGCGCACACACACACACACACACACACAC[A>ACACACACACACACACC]CCTACCTCTCTCCAGGCAGGACACCTTCTGCTCCAAACATGTCCACGTGTCCATTTCTGC-3'